The following is an entry in ClinVar:

NM_001170629.2(CHD8):c.7287G>A (p.Met2429Ile)

Gene: CHD8 (chromodomain helicase DNA binding protein 8; minus strand). Cytogenetic location: 14q11.2.
Variant type: single nucleotide variant.
Coding change: c.7287G>A on transcript NM_001170629.2 (MANE Select); coding-DNA position 7287, G replaced by A.
Protein change: p.Met2429Ile; replaces methionine 2429 with isoleucine.
Molecular consequence: missense variant.
Genome position (GRCh38, 1-based): chr14:21,386,072, C>T on the plus strand (G>A on the coding strand, the complement: CHD8 is on the minus strand). VCF-style: chr14-21386072-C-T. GRCh37 (hg19) VCF-style: chr14-21854231-C-T.
Other names: c.6450G>A, p.Met2150Ile (NM_020920.4); short protein forms M2150I, M2429I.
Identifiers: ClinVar variation 2440016 (VCV002440016.25), dbSNP rs769253036, ClinGen allele CA7090561.

ClinVar aggregate classification (germline): Conflicting classifications of pathogenicity. Review status: criteria provided, conflicting classifications (1 of 4 stars). 3 submissions from 3 submitters: Uncertain significance (1); Likely benign (2). Last evaluated 2025-11-10.

Conditions:
Intellectual developmental disorder with autism and macrocephaly. Also called: CHD8-Related Neurodevelopmental Disorder with Overgrowth; Autism, susceptibility to, 18. Identifiers: Orphanet 642675, MedGen C3554373, MONDO:0014017, OMIM 615032.

Allele frequency attached by ClinVar (database versions not stated): gnomAD 0.00001; gnomAD exomes 0.00001; ExAC 0.00002.
gnomAD v4.1: 17 of 1,583,630 alleles (0.0011%); highest among the groups gnomAD compares: Middle Eastern, 0.017%; no homozygotes.

Submissions (3):

Labcorp Genetics (formerly Invitae), Labcorp
Classification: Likely benign. Last evaluated: 2025-11-10. Review status: criteria provided, single submitter. Criteria: Invitae Variant Classification Sherloc (09022015). Collection method: clinical testing. Allele origin: germline.

CeGaT Center for Human Genetics Tuebingen
Classification: Likely benign. Last evaluated: 2024-05-01. Review status: criteria provided, single submitter. Criteria: CeGaT Center For Human Genetics Tuebingen Variant Classification Criteria Version 2. Collection method: clinical testing. Allele origin: germline. Affected: yes. Observed: 1 variant allele.
Comment: CHD8: PP2, BS2

Revvity Omics, Revvity
Classification: Uncertain significance for Intellectual developmental disorder with autism and macrocephaly. Last evaluated: 2020-03-02. Review status: criteria provided, single submitter. Criteria: ACMG Guidelines, 2015. Collection method: clinical testing. Allele origin: germline.